The following is an entry in ClinVar:

ClinVar aggregate classification (germline): Uncertain significance (1 of 4 stars; one submission).

Allele frequency attached by ClinVar (database versions not stated): gnomAD exomes below 0.00001; ExAC 0.00001; TOPMed 0.00001.
gnomAD v4.1: 1 of 1,613,884 alleles (0.000062%); highest among the groups gnomAD compares: Admixed American, 0.0017%; no homozygotes.

Submission:

Labcorp Genetics (formerly Invitae), Labcorp
Classification: Uncertain significance. Last evaluated: 2022-09-02. Review status: criteria provided, single submitter. Criteria: Invitae Variant Classification Sherloc (09022015). Collection method: clinical testing. Allele origin: germline.
Comment: This variant has not been reported in the literature in individuals affected with VCAN-related conditions. This variant is present in population databases (rs752166348, gnomAD 0.003%). This sequence change replaces serine, which is neutral and polar, with threonine, which is neutral and polar, at codon 1642 of the VCAN protein (p.Ser1642Thr). Algorithms developed to predict the effect of missense changes on protein structure and function are either unavailable or do not agree on the potential impact of this missense change (SIFT: "Deleterious"; PolyPhen-2: "Benign"; Align-GVGD: "Class C55"). In summary, the available evidence is currently insufficient to determine the role of this variant in disease. Therefore, it has been classified as a Variant of Uncertain Significance.

NM_004385.5(VCAN):c.4924T>A (p.Ser1642Thr)

Genes: VCAN (versican; plus strand), VCAN-AS1 (VCAN antisense RNA 1; minus strand). Cytogenetic location: 5q14.3.
Variant type: single nucleotide variant.
Coding change: c.4924T>A on transcript NM_004385.5 (MANE Select); coding-DNA position 4924, T replaced by A.
Protein change: p.Ser1642Thr; replaces serine 1642 with threonine.
Molecular consequence: missense variant. On other transcripts: intron variant (2).
Genome position (GRCh38, 1-based): chr5:83,537,927, T>A. VCF-style: chr5-83537927-T-A. GRCh37 (hg19) VCF-style: chr5-82833746-T-A.
Other names: c.1963T>A, p.Ser655Thr (NM_001164097.2); c.4004-7610T>A (NM_001164098.2); c.1043-7610T>A (NM_001126336.3); short protein forms S1642T, S655T.
Identifiers: ClinVar variation 1953772 (VCV001953772.5), dbSNP rs752166348, ClinGen allele CA3333257.
Genomic context (GRCh38, chr5:83,537,927, plus strand): 5'-GCAACTCCTAGACAAGTTGTAGAGCTCTCAGGGAGTTCTTCGATTCCAATTACAGAAGGC[T>A]CTGGAGAAGCAGAAGAAGATGAAGATACAATGTTCACCATGGTAACTGATTTATCACAGA-3'
Protein context (NP_004376.2, residues 1632-1652): GSSSIPITEG[Ser1642Thr]GEAEEDEDTM